The following is an entry in ClinVar:

ClinVar aggregate classification (germline): Uncertain significance (1 of 4 stars; one submission).

gnomAD v4.1: 5 of 1,603,710 alleles (0.00031%); highest among the groups gnomAD compares: African/African-American, 0.0027%; no homozygotes.

Submission:

Labcorp Genetics (formerly Invitae), Labcorp
Classification: Uncertain significance. Last evaluated: 2025-04-03. Review status: criteria provided, single submitter. Criteria: Invitae Variant Classification Sherloc (09022015). Collection method: clinical testing. Allele origin: germline.
Comment: This sequence change replaces arginine, which is basic and polar, with cysteine, which is neutral and slightly polar, at codon 1280 of the COL17A1 protein (p.Arg1280Cys). The frequency data for this variant in the population databases is considered unreliable, as metrics indicate poor data quality at this position in the gnomAD database. This variant has not been reported in the literature in individuals affected with COL17A1-related conditions. Invitae Evidence Modeling of protein sequence and biophysical properties (such as structural, functional, and spatial information, amino acid conservation, physicochemical variation, residue mobility, and thermodynamic stability) indicates that this missense variant is not expected to disrupt COL17A1 protein function with a negative predictive value of 80%. In summary, the available evidence is currently insufficient to determine the role of this variant in disease. Therefore, it has been classified as a Variant of Uncertain Significance.

NM_000494.4(COL17A1):c.3838C>T (p.Arg1280Cys)

Gene: COL17A1 (collagen type XVII alpha 1 chain; minus strand). Cytogenetic location: 10q25.1.
Variant type: single nucleotide variant.
Coding change: c.3838C>T on transcript NM_000494.4 (MANE Select); coding-DNA position 3838, C replaced by T.
Protein change: p.Arg1280Cys; replaces arginine 1280 with cysteine.
Molecular consequence: missense variant.
Genome position (GRCh38, 1-based): chr10:104,034,263, G>A on the plus strand (C>T on the coding strand, the complement: COL17A1 is on the minus strand). VCF-style: chr10-104034263-G-A. GRCh37 (hg19) VCF-style: chr10-105794021-G-A.
Other names: short protein forms R1280C.
Identifiers: ClinVar variation 4694978 (VCV004694978.1).
Genomic context (GRCh38, chr10:104,034,263, plus strand): 5'-ATGAGCTGTGTGAGGAGGAGCTGCTACCCCGACTGTGGGAGGCATCCGTGGACAGGAGGC[G>A]GCTGTCCCCAGGGGGTCCCTGCGGCCCAGGAGGGCCTGGGGGGCCAACAATGAAGCTGCG-3'
Protein context (NP_000485.3, residues 1270-1290): PGPQGPPGDS[Arg1280Cys]LLSTDASHSR